The following is an entry in ClinVar:

ClinVar aggregate classification (germline): Conflicting classifications of pathogenicity. Review status: criteria provided, conflicting classifications (1 of 4 stars). 3 submissions from 3 submitters: Uncertain significance (1); Likely benign (2). Last evaluated 2025-12-21.

Conditions:
Tuberous sclerosis 2 (TSC2). Identifiers: Orphanet 805, MedGen C1860707, MONDO:0013199, OMIM 613254.
Lymphangiomyomatosis (LAM). Also called: Lymphangioleiomyomatosis, somatic; Lymphangioleiomyomatosis. Identifiers: Orphanet 538, MedGen C0751674, MONDO:0011705, OMIM 606690.
Isolated focal cortical dysplasia type II (FCORD2). Also called: Focal cortical dysplasia type II; CORTICAL DYSPLASIA OF TAYLOR. Identifiers: Orphanet 268994, MedGen C1846385, MONDO:0011818, OMIM 607341, HP:0032051.

Allele frequency attached by ClinVar (database versions not stated): gnomAD 0.00002; TOPMed 0.00003.
gnomAD v4.1: 3 of 1,612,552 alleles (0.00019%); highest among the groups gnomAD compares: African/African-American, 0.004%; no homozygotes.

Submissions (3):

Labcorp Genetics (formerly Invitae), Labcorp
Classification: Likely benign for Tuberous sclerosis 2. Last evaluated: 2025-12-21. Review status: criteria provided, single submitter. Criteria: Invitae Variant Classification Sherloc (09022015). Collection method: clinical testing. Allele origin: germline.

Myriad Genetics, Inc.
Classification: Likely benign for Tuberous sclerosis 2. Last evaluated: 2024-08-23. Review status: criteria provided, single submitter. Criteria: Myriad Autosomal Dominant, Autosomal Recessive and X-Linked Classification Criteria (2023). Collection method: clinical testing. Allele origin: unknown.
Comment: This variant is considered likely benign. This variant is intronic and is not expected to impact mRNA splicing. This variant has been observed at a population frequency that is significantly greater than expected given the associated disease prevalence and penetrance.

Fulgent Genetics
Classification: Uncertain significance for Lymphangiomyomatosis; Isolated focal cortical dysplasia type II; Tuberous sclerosis 2. Last evaluated: 2024-05-18. Review status: criteria provided, single submitter. Criteria: ACMG Guidelines, 2015. Collection method: clinical testing. Allele origin: germline.

NM_000548.5(TSC2):c.4570-15C>A

Gene: TSC2 (TSC complex subunit 2; plus strand). Cytogenetic location: 16p13.3.
Variant type: single nucleotide variant.
Coding change: c.4570-15C>A on transcript NM_000548.5 (MANE Select); 15 bases into the intron before coding-DNA position 4570, C replaced by A.
Molecular consequence: intron variant.
Genome position (GRCh38, 1-based): chr16:2,085,215, C>A. VCF-style: chr16-2085215-C-A. GRCh37 (hg19) VCF-style: chr16-2135216-C-A.
Other names: c.4501-15C>A (NM_001114382.3); c.4441-15C>A (NM_021055.3, NM_001370405.1); c.4372-15C>A (NM_001363528.2); c.4438-15C>A (NM_001370404.1); c.4369-15C>A (NM_001077183.3); c.4261-15C>A (NM_001318827.2); c.3838-15C>A (NM_001318831.2); c.4225-15C>A (NM_001318829.2); and 1 more.
Identifiers: ClinVar variation 1576070 (VCV001576070.10), dbSNP rs766813076, ClinGen allele CA051701.